The following is an entry in ClinVar:

ClinVar aggregate classification (germline): Uncertain significance (1 of 4 stars; one submission).

gnomAD v4.1: 1 of 1,166,958 alleles (0.000086%); no homozygotes.

Submission:

Labcorp Genetics (formerly Invitae), Labcorp
Classification: Uncertain significance. Last evaluated: 2021-01-25. Review status: criteria provided, single submitter. Criteria: Invitae Variant Classification Sherloc (09022015). Collection method: clinical testing. Allele origin: germline.
Comment: The frequency data for this variant in the population databases is considered unreliable, as metrics indicate insufficient coverage at this position in the ExAC database. This sequence change replaces alanine with valine at codon 30 of the KMT2A protein (p.Ala30Val). The alanine residue is weakly conserved and there is a small physicochemical difference between alanine and valine. This variant has not been reported in the literature in individuals with KMT2A-related conditions. Advanced modeling of protein sequence and biophysical properties (such as structural, functional, and spatial information, amino acid conservation, physicochemical variation, residue mobility, and thermodynamic stability) performed at Invitae indicates that this missense variant is not expected to disrupt KMT2A protein function. In summary, the available evidence is currently insufficient to determine the role of this variant in disease. Therefore, it has been classified as a Variant of Uncertain Significance.

NM_001197104.2(KMT2A):c.89C>T (p.Ala30Val)

Gene: KMT2A (lysine methyltransferase 2A; plus strand). Cytogenetic location: 11q23.3.
Variant type: single nucleotide variant.
Coding change: c.89C>T on transcript NM_001197104.2 (MANE Select); coding-DNA position 89, C replaced by T.
Protein change: p.Ala30Val; replaces alanine 30 with valine.
Molecular consequence: missense variant.
Genome position (GRCh38, 1-based): chr11:118,436,601, C>T. VCF-style: chr11-118436601-C-T. GRCh37 (hg19) VCF-style: chr11-118307316-C-T.
Other names: c.89C>T, p.Ala30Val (NM_005933.4); short protein forms A30V.
Identifiers: ClinVar variation 1469158 (VCV001469158.8), dbSNP rs9332745, ClinGen allele CA382797126.
Genomic context (GRCh38, chr11:118,436,601, plus strand): 5'-CCGCCCGACCCGGGACCACCGGGGGCGGCGGCGGCGGGGGGCGCCGGGGCCTAGGGGGCG[C>T]CCCGCGGCAACGCGTCCCGGCCCTGCTGCTTCCCCCCGGGCCCCCGGTCGGCGGTGGCGG-3'
Protein context (NP_001184033.1, residues 20-40): GGGGRRGLGG[Ala30Val]PRQRVPALLL